The following is an entry in ClinVar:

ClinVar aggregate classification (germline): Uncertain significance (1 of 4 stars; one submission).

Submission:

GeneDx
Classification: Uncertain significance. Last evaluated: 2025-11-07. Review status: criteria provided, single submitter. Criteria: GeneDx Variant Classification Process June 2021. Collection method: clinical testing. Allele origin: germline.
Comment: Not observed at significant frequency in large population cohorts (gnomAD); In silico analysis suggests that this missense variant does not alter protein structure/function; Has not been previously published as pathogenic or benign to our knowledge

NM_030632.3(ASXL3):c.100T>A (p.Leu34Met)

Gene: ASXL3 (ASXL transcriptional regulator 3; plus strand). Cytogenetic location: 18q12.1.
Variant type: single nucleotide variant.
Coding change: c.100T>A on transcript NM_030632.3 (MANE Select); coding-DNA position 100, T replaced by A.
Protein change: p.Leu34Met; replaces leucine 34 with methionine.
Molecular consequence: missense variant.
Genome position (GRCh38, 1-based): chr18:33,607,639, T>A. VCF-style: chr18-33607639-T-A. GRCh37 (hg19) VCF-style: chr18-31187603-T-A.
Other names: short protein forms L34M.
Identifiers: ClinVar variation 3359668 (VCV003359668.2).
Genomic context (GRCh38, chr18:33,607,639, plus strand): 5'-ATGTTTATATTTTAGGCACTAGAAAAACACCCCAACTCACCAATGACAGCAAAGCAGATA[T>A]TGGAAGTCATTCAGAAAGAAGGGTTAAAAGAAACAAGGTCAGTATCCATATTTAAAACAT-3'
Protein context (NP_085135.1, residues 24-44): PNSPMTAKQI[Leu34Met]EVIQKEGLKE